The following is an entry in ClinVar:

NM_001735.3(C5):c.2993A>C (p.Asn998Thr)

Gene: C5 (complement C5; minus strand). Cytogenetic location: 9q33.2.
Variant type: single nucleotide variant.
Coding change: c.2993A>C on transcript NM_001735.3 (MANE Select); coding-DNA position 2993, A replaced by C.
Protein change: p.Asn998Thr; replaces asparagine 998 with threonine.
Molecular consequence: missense variant.
Genome position (GRCh38, 1-based): chr9:120,989,729, T>G on the plus strand (A>C on the coding strand, the complement: C5 is on the minus strand). VCF-style: chr9-120989729-T-G. GRCh37 (hg19) VCF-style: chr9-123752007-T-G.
Other names: c.3011A>C, p.Asn1004Thr (NM_001317163.2); short protein forms N998T, N1004T.
Identifiers: ClinVar variation 1433484 (VCV001433484.5), dbSNP rs746253765, ClinGen allele CA5217595.
Genomic context (GRCh38, chr9:120,989,729, plus strand): 5'-ACTGGGACAACGCTCATCAGCTCCGCCTCTGCACTCCCTTTGGGGAGGTGGGTTAGGATA[T>G]TGATGCCTTCCTGACTTAGAACTGCAGACAAGATCTCACCTACAAGCAGTCCTGAAACAA-3'
Protein context (NP_001726.2, residues 988-1008): LSAVLSQEGI[Asn998Thr]ILTHLPKGSA

ClinVar aggregate classification (germline): Uncertain significance (1 of 4 stars; one submission).

Allele frequency attached by ClinVar (database versions not stated): gnomAD exomes 0.00002 and 0.00005; ExAC 0.00005.
gnomAD v4.1: 12 of 1,614,048 alleles (0.00074%); highest among the groups gnomAD compares: Admixed American, 0.02%; no homozygotes.

Submission:

Labcorp Genetics (formerly Invitae), Labcorp
Classification: Uncertain significance. Last evaluated: 2022-01-15. Review status: criteria provided, single submitter. Criteria: Invitae Variant Classification Sherloc (09022015). Collection method: clinical testing. Allele origin: germline.
Comment: This sequence change replaces asparagine, which is neutral and polar, with threonine, which is neutral and polar, at codon 998 of the C5 protein (p.Asn998Thr). This variant is present in population databases (rs746253765, gnomAD 0.04%). This variant has not been reported in the literature in individuals affected with C5-related conditions. Algorithms developed to predict the effect of missense changes on protein structure and function (SIFT, PolyPhen-2, Align-GVGD) all suggest that this variant is likely to be tolerated. In summary, the available evidence is currently insufficient to determine the role of this variant in disease. Therefore, it has been classified as a Variant of Uncertain Significance.